The following is an entry in ClinVar:

NM_002860.4(ALDH18A1):c.732_737del (p.Lys244_Asp245del)

Gene: ALDH18A1 (aldehyde dehydrogenase 18 family member A1; minus strand). Cytogenetic location: 10q24.1.
Variant type: Deletion.
Coding change: c.732_737del on transcript NM_002860.4 (MANE Select); coding-DNA positions 732 to 737, 6 bases deleted (AGATAA; older notation c.732_737delAGATAA).
Protein change: p.Lys244_Asp245del.
Molecular consequence: inframe deletion.
Genome position (GRCh38, 1-based): chr10:95,633,030-95,633,035, TTATCT deleted on the plus strand (AGATAA on the coding strand, the reverse complement: ALDH18A1 is on the minus strand); deleting any 6 consecutive bases within chr10:95,633,030-95,633,038 gives the same sequence; the c. name uses the placement nearest the transcript's 3' end. VCF-style (leftmost placement, unchanged base first): chr10-95633029-ATTATCT-A. GRCh37 (hg19) VCF-style: chr10-97392786-ATTATCT-A.
Other names: c.726_731del, p.Lys242_Asp243del (NM_001017423.2, NM_001323415.2); c.399_404del, p.Lys133_Asp134del (NM_001323412.2, NM_001323416.2); c.732_737del, p.Lys244_Asp245del (NM_001323413.2, NM_001323414.2); c.627_632del, p.Lys209_Asp210del (NM_001323417.2); c.393_398del, p.Lys131_Asp132del (NM_001323418.2); c.96_101del, p.Lys32_Asp33del (NM_001323419.2).
Identifiers: ClinVar variation 2429590 (VCV002429590.4), dbSNP rs2526867772, ClinGen allele CA658781094.

ClinVar aggregate classification (germline): Conflicting classifications of pathogenicity. Review status: criteria provided, conflicting classifications (1 of 4 stars). 2 submissions from 2 submitters: Pathogenic (1); Uncertain significance (1). Last evaluated 2023-02-13.

Conditions:
de Barsy syndrome. Also called: Cutis laxa-corneal clouding-oligophrenia syndrome. Identifiers: Orphanet 2962, MedGen C0268354, MONDO:0017569.
Autosomal dominant spastic paraplegia type 9. Identifiers: MedGen C1832669, MONDO:0015091.
Cutis laxa, autosomal dominant 3 (ADCL3). Identifiers: Orphanet 90348, MedGen C4225268, MONDO:0014706, OMIM 616603.

Submissions (2):

GeneDx
Classification: Pathogenic. Last evaluated: 2023-02-13. Review status: criteria provided, single submitter. Criteria: GeneDx Variant Classification Process June 2021. Collection method: clinical testing. Allele origin: germline. Affected: yes.
Comment: Identified as de novo in an individual with developmental disorder in published literature, however, detailed clinical information was not provided (Turner et al., 2019); In-frame deletion of 2 amino acids in a non-repeat region; Not observed at significant frequency in large population cohorts (gnomAD); In silico analysis supports a deleterious effect on protein structure/function; This variant is associated with the following publications: (PMID: 31785789)

Labcorp Genetics (formerly Invitae), Labcorp
Classification: Uncertain significance for Autosomal dominant spastic paraplegia type 9; de Barsy syndrome; Cutis laxa, autosomal dominant 3. Last evaluated: 2022-12-08. Review status: criteria provided, single submitter. Criteria: Invitae Variant Classification Sherloc (09022015). Collection method: clinical testing. Allele origin: germline.
Comment: This variant has been observed in individual(s) with neurodevelopmental disorders (PMID: 31785789). Experimental studies and prediction algorithms are not available or were not evaluated, and the functional significance of this variant is currently unknown. In summary, the available evidence is currently insufficient to determine the role of this variant in disease. Therefore, it has been classified as a Variant of Uncertain Significance. This variant is not present in population databases (gnomAD no frequency). This variant, c.732_737del, results in the deletion of 2 amino acid(s) of the ALDH18A1 protein (p.Lys244_Asp245del), but otherwise preserves the integrity of the reading frame.

Literature cited by the submitters: PubMed 31785789 (cited by Labcorp Genetics (formerly Invitae), Labcorp).